The following is an entry in ClinVar:

NM_002972.4(SBF1):c.3676G>A (p.Ala1226Thr)

Gene: SBF1 (SET binding factor 1; minus strand). Cytogenetic location: 22q13.33.
Variant type: single nucleotide variant.
Coding change: c.3676G>A on transcript NM_002972.4 (MANE Select); coding-DNA position 3676, G replaced by A.
Protein change: p.Ala1226Thr; replaces alanine 1226 with threonine.
Molecular consequence: missense variant.
Genome position (GRCh38, 1-based): chr22:50,459,482, C>T on the plus strand (G>A on the coding strand, the complement: SBF1 is on the minus strand). VCF-style: chr22-50459482-C-T. GRCh37 (hg19) VCF-style: chr22-50897911-C-T.
Other names: p.Ala1226Thr; c.3676G>A (NM_002972.3, NM_002972.2); c.3679G>A, p.Ala1227Thr (NM_001365819.1); short protein forms A1226T, A1227T.
Identifiers: ClinVar variation 1389198 (VCV001389198.9), dbSNP rs200852838, ClinGen allele CA10316626.

ClinVar aggregate classification (germline): Conflicting classifications of pathogenicity. Review status: criteria provided, conflicting classifications (1 of 4 stars). 5 submissions from 5 submitters: Uncertain significance (4); Benign (1). Last evaluated 2025-02-18.

Conditions:
Tip-toe gait. Also called: Toe walking. Identifiers: MedGen C0427144, HP:0030051.

Allele frequency attached by ClinVar (database versions not stated): ExAC 0.00008; ESP Exome Variant Server 0.00008; gnomAD 0.00013; TOPMed 0.00015.
gnomAD v4.1: 246 of 1,610,304 alleles (0.015%); highest among the groups gnomAD compares: Non-Finnish European, 0.02%; no homozygotes.

Submissions (5):

GeneDx
Classification: Uncertain significance. Last evaluated: 2025-02-18. Review status: criteria provided, single submitter. Criteria: GeneDx Variant Classification Process June 2021. Collection method: clinical testing. Allele origin: germline. Affected: yes.
Comment: In silico analysis indicates that this missense variant does not alter protein structure/function; Has not been previously published as pathogenic or benign to our knowledge

Practice for Gait Abnormalities, David Pomarino, Competency Network Toe Walking C/o Practice Pomarino
Classification: Benign for Tip-toe gait. Last evaluated: 2025-01-09. Review status: criteria provided, single submitter. Criteria: Pomarino et al. (Glob Med Genet. 2026). Collection method: clinical testing. Allele origin: germline. Affected: yes.

Labcorp Genetics (formerly Invitae), Labcorp
Classification: Uncertain significance. Last evaluated: 2024-12-16. Review status: criteria provided, single submitter. Criteria: Invitae Variant Classification Sherloc (09022015). Collection method: clinical testing. Allele origin: germline.
Comment: This sequence change replaces alanine, which is neutral and non-polar, with threonine, which is neutral and polar, at codon 1226 of the SBF1 protein (p.Ala1226Thr). This variant is present in population databases (rs200852838, gnomAD 0.02%). This variant has not been reported in the literature in individuals affected with SBF1-related conditions. ClinVar contains an entry for this variant (Variation ID: 1389198). Invitae Evidence Modeling of protein sequence and biophysical properties (such as structural, functional, and spatial information, amino acid conservation, physicochemical variation, residue mobility, and thermodynamic stability) indicates that this missense variant is not expected to disrupt SBF1 protein function with a negative predictive value of 80%. In summary, the available evidence is currently insufficient to determine the role of this variant in disease. Therefore, it has been classified as a Variant of Uncertain Significance.

Mayo Clinic Laboratories, Mayo Clinic
Classification: Uncertain significance. Last evaluated: 2023-06-05. Review status: criteria provided, single submitter. Criteria: ACMG Guidelines, 2015. Collection method: clinical testing. Allele origin: germline. Observed: 1 variant allele.
Comment: BP4

Ambry Genetics
Classification: Uncertain significance. Last evaluated: 2021-10-22. Review status: criteria provided, single submitter. Criteria: Ambry Variant Classification Scheme 2023. Collection method: clinical testing. Allele origin: germline.